The following is an entry in ClinVar:

NM_000179.3(MSH6):c.3375C>G (p.Gly1125=)

Gene: MSH6 (mutS homolog 6; plus strand). Cytogenetic location: 2p16.3.
Variant type: single nucleotide variant.
Coding change: c.3375C>G on transcript NM_000179.3 (MANE Select); coding-DNA position 3375, C replaced by G.
Protein change: p.Gly1125=; no amino-acid change (glycine 1125 retained).
Molecular consequence: synonymous variant.
Genome position (GRCh38, 1-based): chr2:47,803,622, C>G. VCF-style: chr2-47803622-C-G. GRCh37 (hg19) VCF-style: chr2-48030761-C-G.
Other names: c.2985C>G, p.Gly995= (NM_001281492.2); c.2469C>G, p.Gly823= (NM_001281493.2, NM_001281494.2).
Identifiers: ClinVar variation 186300 (VCV000186300.25), dbSNP rs765577023, ClinGen allele CA012706.

ClinVar aggregate classification (germline): Benign/Likely benign. Review status: criteria provided, multiple submitters, no conflicts (2 of 4 stars). 8 submissions from 8 submitters: Benign (1); Likely benign (7). Last evaluated 2026-01-13.

Conditions:
Hereditary nonpolyposis colorectal neoplasms. Identifiers: MedGen C0009405, MeSH D003123.
Hereditary cancer-predisposing syndrome. Also called: Tumor predisposition; Neoplastic Syndromes, Hereditary; Hereditary neoplastic syndrome; Hereditary Cancer Syndrome. Identifiers: Orphanet 140162, MedGen C0027672, MeSH D009386, MONDO:0015356.
Lynch syndrome. Identifiers: Orphanet 144, MedGen C4552100, MONDO:0005835. Disease mechanism: loss of function.
Lynch syndrome 5 (LYNCH5). Also called: Colorectal cancer, hereditary nonpolyposis, type 5; Hereditary non-polyposis colorectal cancer, type 5. Identifiers: Orphanet 144, MedGen C1833477, MONDO:0013710, OMIM 614350. Disease mechanism: loss of function.

Allele frequency attached by ClinVar (database versions not stated): TOPMed below 0.00001; ExAC 0.00001; gnomAD exomes 0.00001.

Submissions (8):

Labcorp Genetics (formerly Invitae), Labcorp
Classification: Likely benign for Hereditary nonpolyposis colorectal neoplasms. Last evaluated: 2026-01-13. Review status: criteria provided, single submitter. Criteria: Invitae Variant Classification Sherloc (09022015). Collection method: clinical testing. Allele origin: germline.

Myriad Genetics, Inc.
Classification: Benign for Lynch syndrome 5. Last evaluated: 2025-01-06. Review status: criteria provided, single submitter. Criteria: Myriad Autosomal Dominant, Autosomal Recessive and X-Linked Classification Criteria (2023). Collection method: clinical testing. Allele origin: unknown.
Comment: This variant is considered benign. This variant is a silent/synonymous amino acid change and it is not expected to impact splicing.

All of Us Research Program, National Institutes of Health
Classification: Likely benign for Lynch syndrome. Last evaluated: 2024-01-11. Review status: criteria provided, single submitter. Criteria: ACMG Guidelines, 2015. Collection method: clinical testing. Allele origin: germline. Inheritance: Autosomal dominant inheritance. Observed: 3 variant alleles, 3 heterozygotes.
Comment: This study involves interpretation of variants in research participants for the purpose of population health screening. Participant phenotype was not available at the time of variant classification. Additional details can be found in publication PMID: 35346344, PMCID: PMC8962531

Blueprint Genetics
Classification: Likely benign. Last evaluated: 2023-08-03. Review status: criteria provided, single submitter. Criteria: ACMG Guidelines, 2015. Collection method: clinical testing. Allele origin: germline.

Genetic Services Laboratory, University of Chicago
Classification: Likely benign. Last evaluated: 2020-02-03. Review status: criteria provided, single submitter. Criteria: ACMG Guidelines, 2015. Collection method: clinical testing. Allele origin: germline. Affected: no.

Color Diagnostics, LLC DBA Color Health
Classification: Likely benign for Hereditary cancer-predisposing syndrome. Last evaluated: 2018-05-29. Review status: criteria provided, single submitter. Criteria: ACMG Guidelines, 2015. Collection method: clinical testing. Allele origin: germline.

GeneDx
Classification: Likely benign. Last evaluated: 2018-02-23. Review status: criteria provided, single submitter. Criteria: GeneDx Variant Classification (06012015). Collection method: clinical testing. Allele origin: germline. Affected: yes.
Comment: This variant is considered likely benign or benign based on one or more of the following criteria: it is a conservative change, it occurs at a poorly conserved position in the protein, it is predicted to be benign by multiple in silico algorithms, and/or has population frequency not consistent with disease.

Ambry Genetics
Classification: Likely benign for Hereditary cancer-predisposing syndrome. Last evaluated: 2014-09-15. Review status: criteria provided, single submitter. Criteria: Ambry Variant Classification Scheme 2023. Collection method: clinical testing. Allele origin: germline.